The following is an entry in ClinVar:

NM_173598.6(KSR2):c.2712G>A (p.Ser904=)

Gene: KSR2 (kinase suppressor of ras 2; minus strand). Cytogenetic location: 12q24.22.
Variant type: single nucleotide variant.
Coding change: c.2712G>A on transcript NM_173598.6 (MANE Select); coding-DNA position 2712, G replaced by A.
Protein change: p.Ser904=; no amino-acid change (serine 904 retained).
Molecular consequence: synonymous variant.
Genome position (GRCh38, 1-based): chr12:117,471,191, C>T on the plus strand (G>A on the coding strand, the complement: KSR2 is on the minus strand). VCF-style: chr12-117471191-C-T. GRCh37 (hg19) VCF-style: chr12-117908996-C-T.
Identifiers: ClinVar variation 3349572 (VCV003349572.3).
Genomic context (GRCh38, chr12:117,471,191, plus strand): 5'-CCCATGACTGTGTCTGTGTCTCCCCTCATCCCCCAAGTCTGGACCTATCTTGGGACTTAC[C>T]GAGATTTCTTTTCCCATGCCAATCTGGCTGAGGTTGGGTTTCATGCCTGTGCCCATTTGC-3'
Protein context (NP_775869.4, residues 894-914): LSQIGMGKEI[Ser904=]DILLFCWAFE

ClinVar aggregate classification (germline): Uncertain significance. Review status: criteria provided, single submitter (1 of 4 stars). 2 submissions from 2 submitters: Uncertain significance (1). 1 of the submissions does not count toward it. Last evaluated 2024-06-17.

Conditions:
KSR2-related disorder. Also called: KSR2-related condition.

gnomAD v4.1: 1 of 1,613,710 alleles (0.000062%); highest among the groups gnomAD compares: African/African-American, 0.0013%; no homozygotes.

Submissions (2):

Labcorp Genetics (formerly Invitae), Labcorp
Classification: Uncertain significance. Last evaluated: 2024-06-17. Review status: criteria provided, single submitter. Criteria: Invitae Variant Classification Sherloc (09022015). Collection method: clinical testing. Allele origin: germline.
Comment: This sequence change affects codon 875 of the KSR2 mRNA. It is a 'silent' change, meaning that it does not change the encoded amino acid sequence of the KSR2 protein. This variant also falls at the last nucleotide of exon 18, which is part of the consensus splice site for this exon. This variant is present in population databases (no rsID available, gnomAD 0.007%). This variant has not been reported in the literature in individuals affected with KSR2-related conditions. Variants that disrupt the consensus splice site are a relatively common cause of aberrant splicing (PMID: 17576681, 9536098). Algorithms developed to predict the effect of sequence changes on RNA splicing suggest that this variant may disrupt the consensus splice site. In summary, the available evidence is currently insufficient to determine the role of this variant in disease. Therefore, it has been classified as a Variant of Uncertain Significance.

PreventionGenetics, part of Exact Sciences
Classification: Uncertain significance for KSR2-related condition. Last evaluated: 2024-02-09. Review status: no assertion criteria provided. Collection method: clinical testing. Allele origin: germline. Not counted in ClinVar's aggregate classification.
Comment: The KSR2 c.2625G>A variant is not predicted to result in an amino acid change (p.=). To our knowledge, this variant has not been reported in the literature. This variant is reported in 0.0065% of alleles in individuals of African descent in gnomAD. At this time, the clinical significance of this variant is uncertain due to the absence of conclusive functional and genetic evidence.

Literature cited by the submitters: PubMed 17576681 (cited by Labcorp Genetics (formerly Invitae), Labcorp); PubMed 9536098 (cited by Labcorp Genetics (formerly Invitae), Labcorp).